The following is an entry in ClinVar:

ClinVar aggregate classification (germline): Uncertain significance. Review status: criteria provided, multiple submitters, no conflicts (2 of 4 stars). 3 submissions from 3 submitters: Uncertain significance (3). Last evaluated 2025-05-29.

Conditions:
Tuberous sclerosis syndrome (TSC). Also called: Tuberous sclerosis; Tuberous Sclerosis Complex. Identifiers: Orphanet 805, MedGen C0041341, MONDO:0001734.
Tuberous sclerosis 1 (TSC1). Identifiers: Orphanet 805, MedGen C1854465, MONDO:0008612, OMIM 191100.
Hereditary cancer-predisposing syndrome. Also called: Hereditary neoplastic syndrome; Neoplastic Syndromes, Hereditary; Tumor predisposition; Hereditary Cancer Syndrome. Identifiers: Orphanet 140162, MedGen C0027672, MeSH D009386, MONDO:0015356.

Submissions (3):

Ambry Genetics
Classification: Uncertain significance for Hereditary cancer-predisposing syndrome. Last evaluated: 2025-05-29. Review status: criteria provided, single submitter. Criteria: Ambry Variant Classification Scheme 2023. Collection method: clinical testing. Allele origin: germline.
Comment: The p.P1021R variant (also known as c.3062C>G), located in coding exon 21 of the TSC1 gene, results from a C to G substitution at nucleotide position 3062. The proline at codon 1021 is replaced by arginine, an amino acid with dissimilar properties. This amino acid position is conserved. In addition, this alteration is predicted to be tolerated by in silico analysis. Based on the available evidence, the clinical significance of this variant remains unclear.

All of Us Research Program, National Institutes of Health
Classification: Uncertain significance for Tuberous sclerosis syndrome. Last evaluated: 2023-11-30. Review status: criteria provided, single submitter. Criteria: ACMG Guidelines, 2015. Collection method: clinical testing. Allele origin: germline. Inheritance: Autosomal dominant inheritance. Observed: 1 variant allele, 1 heterozygote.
Comment: This study involves interpretation of variants in research participants for the purpose of population health screening. Participant phenotype was not available at the time of variant classification. Additional details can be found in publication PMID: 35346344, PMCID: PMC8962531

Labcorp Genetics (formerly Invitae), Labcorp
Classification: Uncertain significance for Tuberous sclerosis 1. Last evaluated: 2022-12-13. Review status: criteria provided, single submitter. Criteria: Invitae Variant Classification Sherloc (09022015). Collection method: clinical testing. Allele origin: germline.
Comment: In summary, the available evidence is currently insufficient to determine the role of this variant in disease. Therefore, it has been classified as a Variant of Uncertain Significance. Advanced modeling of protein sequence and biophysical properties (such as structural, functional, and spatial information, amino acid conservation, physicochemical variation, residue mobility, and thermodynamic stability) performed at Invitae indicates that this missense variant is not expected to disrupt TSC1 protein function. ClinVar contains an entry for this variant (Variation ID: 1003500). This variant has not been reported in the literature in individuals affected with TSC1-related conditions. This variant is not present in population databases (gnomAD no frequency). This sequence change replaces proline, which is neutral and non-polar, with arginine, which is basic and polar, at codon 1021 of the TSC1 protein (p.Pro1021Arg).

NM_000368.5(TSC1):c.3062C>G (p.Pro1021Arg)

Gene: TSC1 (TSC complex subunit 1; minus strand). Cytogenetic location: 9q34.13.
Variant type: single nucleotide variant.
Coding change: c.3062C>G on transcript NM_000368.5 (MANE Select); coding-DNA position 3062, C replaced by G.
Protein change: p.Pro1021Arg; replaces proline 1021 with arginine.
Molecular consequence: missense variant.
Genome position (GRCh38, 1-based): chr9:132,896,668, G>C on the plus strand (C>G on the coding strand, the complement: TSC1 is on the minus strand). VCF-style: chr9-132896668-G-C. GRCh37 (hg19) VCF-style: chr9-135772055-G-C.
Other names: c.3059C>G, p.Pro1020Arg (NM_001162426.2); c.2909C>G, p.Pro970Arg (NM_001162427.2); c.2699C>G, p.Pro900Arg (NM_001362177.2); c.3062C>G (NM_000368.4); short protein forms P1020R, P1021R, P900R, P970R.
Identifiers: ClinVar variation 1003500 (VCV001003500.10), dbSNP rs1845082733, ClinGen allele CA375367642.